The following is an entry in ClinVar:

ClinVar aggregate classification (germline): Uncertain significance. Review status: criteria provided, multiple submitters, no conflicts (2 of 4 stars). 2 submissions from 2 submitters: Uncertain significance (2). Last evaluated 2025-08-09.

Conditions:
Inborn genetic diseases. Identifiers: MedGen C0950123, MeSH D030342.
Primary ciliary dyskinesia. Also called: Ciliary dyskinesia. Identifiers: Orphanet 244, MedGen C0008780, MONDO:0016575, HP:0012265.

Allele frequency attached by ClinVar (database versions not stated): ExAC 0.00001; gnomAD 0.00001; TOPMed 0.00002.

Submissions (2):

Ambry Genetics
Classification: Uncertain significance for Inborn genetic diseases. Last evaluated: 2025-08-09. Review status: criteria provided, single submitter. Criteria: Ambry Variant Classification Scheme 2023. Collection method: clinical testing. Allele origin: germline.

Labcorp Genetics (formerly Invitae), Labcorp
Classification: Uncertain significance for Primary ciliary dyskinesia. Last evaluated: 2023-07-19. Review status: criteria provided, single submitter. Criteria: Invitae Variant Classification Sherloc (09022015). Collection method: clinical testing. Allele origin: germline.
Comment: In summary, the available evidence is currently insufficient to determine the role of this variant in disease. Therefore, it has been classified as a Variant of Uncertain Significance. An algorithm developed to predict the effect of missense changes on protein structure and function (PolyPhen-2) suggests that this variant is likely to be disruptive. This variant has not been reported in the literature in individuals affected with DRC1-related conditions. This variant is present in population databases (rs753185786, gnomAD 0.009%). This sequence change replaces serine, which is neutral and polar, with phenylalanine, which is neutral and non-polar, at codon 19 of the DRC1 protein (p.Ser19Phe).

NM_145038.5(DRC1):c.56C>T (p.Ser19Phe)

Gene: DRC1 (dynein regulatory complex subunit 1; plus strand). Cytogenetic location: 2p23.3.
Variant type: single nucleotide variant.
Coding change: c.56C>T on transcript NM_145038.5 (MANE Select); coding-DNA position 56, C replaced by T.
Protein change: p.Ser19Phe; replaces serine 19 with phenylalanine.
Molecular consequence: missense variant.
Genome position (GRCh38, 1-based): chr2:26,402,045, C>T. VCF-style: chr2-26402045-C-T. GRCh37 (hg19) VCF-style: chr2-26624913-C-T.
Other names: c.56C>T (NM_145038.2); short protein forms S19F.
Identifiers: ClinVar variation 2721948 (VCV002721948.2), dbSNP rs753185786, ClinGen allele CA1561727.